The following is an entry in ClinVar:

ClinVar aggregate classification (germline): Likely pathogenic (1 of 4 stars; one submission).

Conditions:
Short stature, rhizomelic, with microcephaly, micrognathia, and developmental delay (SSMG). Also called: SHORT STATURE-MICROGNATHIA SYNDROME. Identifiers: Orphanet 659702, MedGen C4310686, MONDO:0014948, OMIM 617164.

Submission:

Juno Genomics, Hangzhou Juno Genomics, Inc
Classification: Likely pathogenic for Short stature, rhizomelic, with microcephaly, micrognathia, and developmental delay. Review status: criteria provided, single submitter. Criteria: ACMG Guidelines, 2015. Collection method: clinical testing. Allele origin: germline. Affected: yes.
Comment: Absent from controls (or at extremely low frequency if recessive) in Genome Aggregation Database.;Null variant in a gene where loss of function (LOF) is a known mechanism of disease.

NM_001655.5(ARCN1):c.1185T>G (p.Tyr395Ter)

Gene: ARCN1 (archain 1 coat protein complex I subunit delta; plus strand). Cytogenetic location: 11q23.3.
Variant type: single nucleotide variant.
Coding change: c.1185T>G on transcript NM_001655.5 (MANE Select); coding-DNA position 1185, T replaced by G.
Protein change: p.Tyr395Ter; replaces tyrosine 395 with a stop codon.
Molecular consequence: nonsense. On other transcripts: non-coding transcript variant (2).
Genome position (GRCh38, 1-based): chr11:118,593,642, T>G. VCF-style: chr11-118593642-T-G. GRCh37 (hg19) VCF-style: chr11-118464357-T-G.
Other names: c.921T>G, p.Tyr307Ter (NM_001142281.2, NM_001425081.1); c.1185T>G, p.Tyr395Ter (NM_001425073.1, NM_001425078.1); c.1182T>G, p.Tyr394Ter (NM_001425074.1, NM_001425079.1); c.1128T>G, p.Tyr376Ter (NM_001425075.1); c.1116T>G, p.Tyr372Ter (NM_001425076.1); c.1020T>G, p.Tyr340Ter (NM_001425077.1); c.741T>G, p.Tyr247Ter (NM_001425080.1); short protein forms Y247*, Y307*, Y340*, Y372*, Y376*, Y394*, Y395*.
Identifiers: ClinVar variation 5018560 (VCV005018560.1).